The following is an entry in ClinVar:

ClinVar aggregate classification (germline): Conflicting classifications of pathogenicity. Review status: criteria provided, conflicting classifications (1 of 4 stars). 3 submissions from 3 submitters: Likely pathogenic (2); Uncertain significance (1). Last evaluated 2023-12-06.

Conditions:
KCNH2-related disorder. Also called: KCNH2-related disorders; KCNH2-related condition.
Long QT syndrome (LQTS). Identifiers: MedGen C0023976, MeSH D008133, MONDO:0002442. Disease mechanism: loss of function. Inheritance: Various modes of inheritance.

Submissions (3):

Labcorp Genetics (formerly Invitae), Labcorp
Classification: Uncertain significance for Long QT syndrome. Last evaluated: 2023-12-06. Review status: criteria provided, single submitter. Criteria: Invitae Variant Classification Sherloc (09022015). Collection method: clinical testing. Allele origin: germline.
Comment: This sequence change replaces arginine, which is basic and polar, with proline, which is neutral and non-polar, at codon 472 of the KCNH2 protein (p.Arg472Pro). This variant is not present in population databases (gnomAD no frequency). This missense change has been observed in individual(s) with long QT Syndrome (Invitae). ClinVar contains an entry for this variant (Variation ID: 200340). An algorithm developed to predict the effect of missense changes on protein structure and function (PolyPhen-2) suggests that this variant is likely to be disruptive. In summary, the available evidence is currently insufficient to determine the role of this variant in disease. Therefore, it has been classified as a Variant of Uncertain Significance.

GeneDx
Classification: Likely pathogenic. Last evaluated: 2012-06-08. Review status: criteria provided, single submitter. Criteria: GeneDx Variant Classification (06012015). Collection method: clinical testing. Allele origin: germline. Affected: yes.
Comment: p.Arg472Pro (CGC>CCC): c.1415 G>C in exon 6 of the KCNH2 gene (NM_000238.2). The Arg472Pro variant in the KCNH2 gene has not been reported previously as a disease-causing mutation or as a benign polymorphism, to our knowledge. Arg472Pro results in a non-conservative amino acid substitution of a positively charged Arginine residue with a non-polar Proline residue at a position that is highly conserved throughout evolution. In silico analysis predicts Arg472Pro is probably damaging to the protein structure/function. Also, mutations in nearby codons (Asn470Asp, Thr473Asn,, Thr473Pro, Thr474Ile) have been reported in association with LQTS, further supporting the functional importance of this region of the protein. The NHLBI ESP Exome Variant Server reports Arg472Pro was not observed in approximately 5,000 samples from individuals of European and African American backgrounds, indicating it is not a common benign variant in these populations.Therefore, while Arg472Pro is a good candidate for a disease-causing mutation. The variant is found in LQT panel(s).

Rady Children's Institute for Genomic Medicine, Rady Children's Hospital San Diego
Classification: Likely pathogenic for KCNH2-related disorders. Review status: criteria provided, single submitter. Criteria: ACMG Guidelines, 2015. Collection method: clinical testing. Allele origin: germline. Affected: yes.
Comment: This variant has not been previously reported or functionally characterized in the literature to our knowledge. It is absent from the gnomAD population database and thus presumed to be rare. The c.1415G>C (p.Arg472Pro) variant affects a highly conserved amino acid and is predicted by multiple in silico tools to have a deleterious effect on protein function. The KCNH2 gene is constrained against variation (Z-score= 4.81 and pLI = 0.99), and missense variants are a common mechanism of disease (PMID: 20301308). Based on the available evidence, the c.1415G>C (p.Arg472Pro) variant is classified as Likely Pathogenic.

NM_000238.4(KCNH2):c.1415G>C (p.Arg472Pro)

Gene: KCNH2 (potassium voltage-gated channel subfamily H member 2; minus strand). Cytogenetic location: 7q36.1.
Variant type: single nucleotide variant.
Coding change: c.1415G>C on transcript NM_000238.4 (MANE Select); coding-DNA position 1415, G replaced by C.
Protein change: p.Arg472Pro; replaces arginine 472 with proline.
Molecular consequence: missense variant.
Genome position (GRCh38, 1-based): chr7:150,952,567, C>G on the plus strand (G>C on the coding strand, the complement: KCNH2 is on the minus strand). VCF-style: chr7-150952567-C-G. GRCh37 (hg19) VCF-style: chr7-150649655-C-G.
Other names: p.R472P:CGC>CCC; c.395G>C, p.Arg132Pro (NM_001204798.2, NM_172057.3); c.1127G>C, p.Arg376Pro (NM_001406753.1, NM_001406756.1); c.1238G>C, p.Arg413Pro (NM_001406755.1); c.1115G>C, p.Arg372Pro (NM_001406757.1); c.1415G>C, p.Arg472Pro (NM_172056.3); short protein forms R132P, R472P, R372P, R376P, R413P.
Identifiers: ClinVar variation 200340 (VCV000200340.8), dbSNP rs794728369, ClinGen allele CA004589.
Genomic context (GRCh38, chr7:150,952,567, plus strand): 5'-TGGACGGCGATGCGGCCGGGGTGGCTGACCACCTCCTCGTTGGCATTGACGTAGGTGGTG[C>G]GGAAGTTGATGAGGATGTCCACAATGAACATGATGTCCACGATGAGGTCCACCACAGCCA-3'
Protein context (NP_000229.1, residues 462-482): MFIVDILINF[Arg472Pro]TTYVNANEEV